The following is an entry in ClinVar:

ClinVar aggregate classification (germline): Likely pathogenic (1 of 4 stars; one submission).

Conditions:
Familial adenomatous polyposis 1 (FAP1). Also called: FAMILIAL ADENOMATOUS POLYPOSIS 1, ATTENUATED; POLYPOSIS, ADENOMATOUS INTESTINAL. Identifiers: MedGen C2713442, MONDO:0021056, OMIM 175100. Disease mechanism: loss of function.

Submission:

Labcorp Genetics (formerly Invitae), Labcorp
Classification: Likely pathogenic for Familial adenomatous polyposis 1. Last evaluated: 2015-11-20. Review status: criteria provided, single submitter. Criteria: Invitae Variant Classification Sherloc (09022015). Collection method: clinical testing. Allele origin: germline.
Comment: This variant is a gross duplication of the genomic region encompassing exons 2-8 of the APC gene. The 5' boundary is likely confined to the intronic region between exons 1-2 and the 3' end of this event is likely confined to intronic region between exons 8-9. It may occur in tandem and result in an absent or disrupted protein product. While this particular duplication has not been reported in the literature, truncating variants in APC are known to be pathogenic (PMID: 23159591). For these reasons, this variant has been classified as Likely Pathogenic.

NM_000038.5(APC):c.-18-?_834+?dup

Gene: APC (APC regulator of Wnt signaling pathway; plus strand).
Variant type: Duplication.
Coding change: c.-18-?_834+?dup on transcript NM_000038.5.
Identifiers: ClinVar variation 254032 (VCV000254032.1).